The following is an entry in ClinVar:

ClinVar aggregate classification (germline): Likely pathogenic (1 of 4 stars; one submission).

Conditions:
Hereditary cancer-predisposing syndrome. Also called: Neoplastic Syndromes, Hereditary; Tumor predisposition; Hereditary neoplastic syndrome; Hereditary Cancer Syndrome. Identifiers: Orphanet 140162, MedGen C0027672, MeSH D009386, MONDO:0015356.

Allele frequency attached by ClinVar (database versions not stated): gnomAD exomes below 0.00001.
gnomAD v4.1: 2 of 1,614,126 alleles (0.00012%); highest among the groups gnomAD compares: South Asian, 0.0022%; no homozygotes.

Submission:

Ambry Genetics
Classification: Likely pathogenic for Hereditary cancer-predisposing syndrome. Last evaluated: 2019-12-10. Review status: criteria provided, single submitter. Criteria: Ambry Variant Classification Scheme 2023. Collection method: clinical testing. Allele origin: germline.
Comment: The p.D236N variant (also known as c.706G>A), located in coding exon 9 of the MUTYH gene, results from a G to A substitution at nucleotide position 706. The aspartic acid at codon 236 is replaced by asparagine, an amino acid with highly similar properties. This alteration demonstrated deficient glycosylase activity in several studies (Wooden SH et al. Cancer Lett. 2004 Mar;205(1):89-95; Ali M et al. Gastroenterology 2008 Aug;135(2):499-507; Kundu S et al. DNA Repair (Amst.) 2009 Dec;8(12):1400-10; Goto M et al. Hum. Mutat. 2010 Nov;31(11):E1861-74). Based on an internal structural assessment, this alteration eliminates a key catalytic residue of the MUTYH protein (Luncsford PJ et al. J. Mol. Biol. 2010 Oct;403(3):351-70; Woods RD et al. Nucleic Acids Res. 2016 Jan;44(2):801-10; Ambry internal data). This variant was not reported in population-based cohorts in the Genome Aggregation Database (gnomAD). This amino acid position is highly conserved in available vertebrate species. In addition, this alteration is predicted to be deleterious by in silico analysis. Based on the majority of available evidence to date, this variant is likely to be pathogenic.

Literature cited by the submitters: PubMed 15036665; PubMed 15681617; PubMed 18534194; PubMed 19836313; PubMed 20816984; PubMed 20848659; PubMed 26673696.

NM_001048174.2(MUTYH):c.622G>A (p.Asp208Asn)

Gene: MUTYH (mutY DNA glycosylase; minus strand). Cytogenetic location: 1p34.1.
Variant type: single nucleotide variant.
Coding change: c.622G>A on transcript NM_001048174.2 (MANE Select); coding-DNA position 622, G replaced by A.
Protein change: p.Asp208Asn; replaces aspartic acid 208 with asparagine.
Molecular consequence: missense variant. On other transcripts: non-coding transcript variant (2).
Genome position (GRCh38, 1-based): chr1:45,332,473, C>T on the plus strand (G>A on the coding strand, the complement: MUTYH is on the minus strand). VCF-style: chr1-45332473-C-T. GRCh37 (hg19) VCF-style: chr1-45798145-C-T.
Other names: c.622G>A, p.Asp208Asn (NM_001048171.2, NM_001048173.2, NM_001293195.2); c.625G>A, p.Asp209Asn (NM_001048172.2); c.706G>A, p.Asp236Asn (NM_001128425.2); c.667G>A, p.Asp223Asn (NM_001293190.2); c.655G>A, p.Asp219Asn (NM_001293191.2); c.346G>A, p.Asp116Asn (NM_001293192.2, NM_001293196.2); c.277G>A, p.Asp93Asn (NM_001350650.2, NM_001350651.2); c.697G>A, p.Asp233Asn (NM_012222.3); short protein forms D223N, D208N, D219N, D93N, D116N, D209N, D233N, D236N.
Identifiers: ClinVar variation 826814 (VCV000826814.4), dbSNP rs1570409700, ClinGen allele CA340134913.